The following is an entry in ClinVar:

NM_004656.4(BAP1):c.1417A>G (p.Ser473Gly)

Gene: BAP1 (BRCA1 associated deubiquitinase 1; minus strand). Cytogenetic location: 3p21.1.
Variant type: single nucleotide variant.
Coding change: c.1417A>G on transcript NM_004656.4 (MANE Select); coding-DNA position 1417, A replaced by G.
Protein change: p.Ser473Gly; replaces serine 473 with glycine.
Molecular consequence: missense variant.
Genome position (GRCh38, 1-based): chr3:52,403,728, T>C on the plus strand (A>G on the coding strand, the complement: BAP1 is on the minus strand). VCF-style: chr3-52403728-T-C. GRCh37 (hg19) VCF-style: chr3-52437744-T-C.
Other names: c.1417A>G (NM_004656.2); short protein forms S473G.
Identifiers: ClinVar variation 951356 (VCV000951356.9), dbSNP rs745988033, ClinGen allele CA2436808.

ClinVar aggregate classification (germline): Uncertain significance. Review status: criteria provided, multiple submitters, no conflicts (2 of 4 stars). 3 submissions from 3 submitters: Uncertain significance (3). Last evaluated 2024-06-21.

Conditions:
Hereditary cancer-predisposing syndrome. Also called: Tumor predisposition; Hereditary neoplastic syndrome; Neoplastic Syndromes, Hereditary; Hereditary Cancer Syndrome. Identifiers: Orphanet 140162, MedGen C0027672, MeSH D009386, MONDO:0015356.
BAP1-related tumor predisposition syndrome (TPDS1). Also called: Tumor susceptibility linked to germline BAP1 mutations; TUMOR PREDISPOSITION SYNDROME 1; COMMON Syndrome; BAP1 tumor predisposition syndrome. Identifiers: Orphanet 289539, MedGen C3280492, MONDO:0013692, OMIM 614327.

Allele frequency attached by ClinVar (database versions not stated): gnomAD exomes below 0.00001; ExAC 0.00001.

Submissions (3):

Labcorp Genetics (formerly Invitae), Labcorp
Classification: Uncertain significance for BAP1-related tumor predisposition syndrome. Last evaluated: 2024-06-21. Review status: criteria provided, single submitter. Criteria: Invitae Variant Classification Sherloc (09022015). Collection method: clinical testing. Allele origin: germline.
Comment: This sequence change replaces serine, which is neutral and polar, with glycine, which is neutral and non-polar, at codon 473 of the BAP1 protein (p.Ser473Gly). This variant is present in population databases (rs745988033, gnomAD 0.0009%). This variant has not been reported in the literature in individuals affected with BAP1-related conditions. ClinVar contains an entry for this variant (Variation ID: 951356). Advanced modeling of protein sequence and biophysical properties (such as structural, functional, and spatial information, amino acid conservation, physicochemical variation, residue mobility, and thermodynamic stability) performed at Invitae indicates that this missense variant is not expected to disrupt BAP1 protein function with a negative predictive value of 80%. In summary, the available evidence is currently insufficient to determine the role of this variant in disease. Therefore, it has been classified as a Variant of Uncertain Significance.

Ambry Genetics
Classification: Uncertain significance for Hereditary cancer-predisposing syndrome. Last evaluated: 2024-05-22. Review status: criteria provided, single submitter. Criteria: Ambry Variant Classification Scheme 2023. Collection method: clinical testing. Allele origin: germline.
Comment: The p.S473G variant (also known as c.1417A>G), located in coding exon 13 of the BAP1 gene, results from an A to G substitution at nucleotide position 1417. The serine at codon 473 is replaced by glycine, an amino acid with similar properties. This amino acid position is well conserved in available vertebrate species. In addition, this alteration is predicted to be tolerated by in silico analysis. Based on the available evidence, the clinical significance of this variant remains unclear.

Color Diagnostics, LLC DBA Color Health
Classification: Uncertain significance for Hereditary cancer-predisposing syndrome. Last evaluated: 2023-09-18. Review status: criteria provided, single submitter. Criteria: ACMG Guidelines, 2015. Collection method: clinical testing. Allele origin: germline.
Comment: This missense variant replaces serine with glycine at codon 473 of the BAP1 protein. Computational prediction suggests that this variant may not impact protein structure and function (internally defined REVEL score threshold <= 0.5, PMID: 27666373). To our knowledge, functional studies have not been reported for this variant. This variant has not been reported in individuals affected with BAP1-related disorders in the literature. This variant has been identified in 1/251268 chromosomes in the general population by the Genome Aggregation Database (gnomAD). The available evidence is insufficient to determine the role of this variant in disease conclusively. Therefore, this variant is classified as a Variant of Uncertain Significance.